The following is an entry in ClinVar:

NM_004082.5(DCTN1):c.1814G>A (p.Cys605Tyr)

Gene: DCTN1 (dynactin subunit 1; minus strand). Cytogenetic location: 2p13.1.
Variant type: single nucleotide variant.
Coding change: c.1814G>A on transcript NM_004082.5 (MANE Select); coding-DNA position 1814, G replaced by A.
Protein change: p.Cys605Tyr; replaces cysteine 605 with tyrosine.
Molecular consequence: missense variant. On other transcripts: non-coding transcript variant (1).
Genome position (GRCh38, 1-based): chr2:74,368,768, C>T on the plus strand (G>A on the coding strand, the complement: DCTN1 is on the minus strand). VCF-style: chr2-74368768-C-T. GRCh37 (hg19) VCF-style: chr2-74595895-C-T.
Other names: c.1754G>A, p.Cys585Tyr (NM_001135040.3); c.1412G>A, p.Cys471Tyr (NM_001135041.3, NM_023019.4); c.1703G>A, p.Cys568Tyr (NM_001190836.2); c.1793G>A, p.Cys598Tyr (NM_001190837.2); c.1763G>A, p.Cys588Tyr (NM_001378991.1); c.1745G>A, p.Cys582Tyr (NM_001378992.1); short protein forms C471Y, C585Y, C582Y, C588Y, C598Y, C568Y, C605Y.
Identifiers: ClinVar variation 2164414 (VCV002164414.4), dbSNP rs1263374024, ClinGen allele CA347355101.

ClinVar aggregate classification (germline): Uncertain significance (1 of 4 stars; one submission).

Conditions:
Amyotrophic lateral sclerosis type 1 (ALS1). Also called: AMYOTROPHIC LATERAL SCLEROSIS 1, FAMILIAL. Identifiers: Orphanet 803, MedGen C1862939, MONDO:0007103, OMIM 105400.
Neuronopathy, distal hereditary motor, type 7B. Also called: NEURONOPATHY, DISTAL HEREDITARY MOTOR, AUTOSOMAL DOMINANT 14; NEURONOPATHY, DISTAL HEREDITARY MOTOR, HARDING TYPE VIIB; NEUROPATHY, DISTAL HEREDITARY MOTOR, HARDING TYPE VIIB; NEUROPATHY, DISTAL HEREDITARY MOTOR, WITH VOCAL CORD PARALYSIS, HARDING TYPE VIIB; Distal Hereditary Motor Neuronopathy Type 7B (dHMN7B); HMN VIIB. Identifiers: Orphanet 139589, MedGen C1843315, MONDO:0011879, OMIM 607641.
Perry syndrome. Also called: PARKINSONISM WITH ALVEOLAR HYPOVENTILATION AND MENTAL DEPRESSION. Identifiers: Orphanet 178509, MedGen C1868594, MONDO:0008201, OMIM 168605.

Allele frequency attached by ClinVar (database versions not stated): gnomAD exomes below 0.00001; TOPMed below 0.00001; gnomAD 0.00001.
gnomAD v4.1: 7 of 1,614,150 alleles (0.00043%); highest among the groups gnomAD compares: African/African-American, 0.0013%; no homozygotes.

Submission:

Labcorp Genetics (formerly Invitae), Labcorp
Classification: Uncertain significance for Amyotrophic lateral sclerosis type 1; Neuronopathy, distal hereditary motor, type 7B; Perry syndrome. Last evaluated: 2023-06-17. Review status: criteria provided, single submitter. Criteria: Invitae Variant Classification Sherloc (09022015). Collection method: clinical testing. Allele origin: germline.
Comment: In summary, the available evidence is currently insufficient to determine the role of this variant in disease. Therefore, it has been classified as a Variant of Uncertain Significance. Advanced modeling of protein sequence and biophysical properties (such as structural, functional, and spatial information, amino acid conservation, physicochemical variation, residue mobility, and thermodynamic stability) performed at Invitae indicates that this missense variant is expected to disrupt DCTN1 protein function. ClinVar contains an entry for this variant (Variation ID: 2164414). This variant has not been reported in the literature in individuals affected with DCTN1-related conditions. This variant is present in population databases (no rsID available, gnomAD 0.0009%). This sequence change replaces cysteine, which is neutral and slightly polar, with tyrosine, which is neutral and polar, at codon 605 of the DCTN1 protein (p.Cys605Tyr).